The following is an entry in ClinVar:

NM_000214.3(JAG1):c.3287_3295dup (p.Arg1096_Lys1098dup)

Gene: JAG1 (jagged canonical Notch ligand 1; minus strand). Cytogenetic location: 20p12.2.
Variant type: Duplication.
Coding change: c.3287_3295dup on transcript NM_000214.3 (MANE Select); coding-DNA positions 3287 to 3295, 9 bases duplicated (GGCGGAAGC; older notation c.3287_3295dupGGCGGAAGC).
Protein change: p.Arg1096_Lys1098dup.
Molecular consequence: inframe insertion.
Genome position (GRCh38, 1-based): chr20:10,639,860-10,639,868, GCTTCCGCC duplicated on the plus strand (GGCGGAAGC on the coding strand, the reverse complement: JAG1 is on the minus strand); duplicating any 9 consecutive bases within chr20:10,639,860-10,639,876 gives the same sequence; the c. name uses the placement nearest the transcript's 3' end. VCF-style (leftmost placement, unchanged base first): chr20-10639859-G-GGCTTCCGCC. GRCh37 (hg19) VCF-style: chr20-10620507-G-GGCTTCCGCC.
Identifiers: ClinVar variation 1465784 (VCV001465784.8), dbSNP rs771530161, ClinGen allele CA9764233.

ClinVar aggregate classification (germline): Uncertain significance (1 of 4 stars; one submission).

Conditions:
Alagille syndrome due to a JAG1 point mutation. Also called: Alagille Syndrome 1; HEPATIC DUCTULAR HYPOPLASIA, SYNDROMATIC; JAG1-Related Alagille Syndrome. Identifiers: Orphanet 261619, Orphanet 52, MedGen C1956125, MONDO:0016862, OMIM 118450.

Submission:

Labcorp Genetics (formerly Invitae), Labcorp
Classification: Uncertain significance for Alagille syndrome due to a JAG1 point mutation. Last evaluated: 2024-07-30. Review status: criteria provided, single submitter. Criteria: Invitae Variant Classification Sherloc (09022015). Collection method: clinical testing. Allele origin: germline.
Comment: This variant, c.3287_3295dup, results in the insertion of 3 amino acid(s) of the JAG1 protein (p.Arg1096_Lys1098dup), but otherwise preserves the integrity of the reading frame. This variant is present in population databases (rs777232797, gnomAD 0.0009%). This variant has not been reported in the literature in individuals affected with JAG1-related conditions. ClinVar contains an entry for this variant (Variation ID: 1465784). Experimental studies and prediction algorithms are not available or were not evaluated, and the functional significance of this variant is currently unknown. In summary, the available evidence is currently insufficient to determine the role of this variant in disease. Therefore, it has been classified as a Variant of Uncertain Significance.